The following is an entry in ClinVar:

ClinVar aggregate classification (germline): Pathogenic. Review status: criteria provided, multiple submitters, no conflicts (2 of 4 stars). 2 submissions from 2 submitters: Pathogenic (2). Last evaluated 2017-11-08.

Conditions:
DICER1-related tumor predisposition. Also called: DICER1-related pleuropulmonary blastoma cancer predisposition syndrome; DICER1 syndrome. Identifiers: Orphanet 284343, MedGen C3839822, MONDO:0100216.
Hereditary cancer-predisposing syndrome. Also called: Tumor predisposition; Neoplastic Syndromes, Hereditary; Hereditary Cancer Syndrome; Hereditary neoplastic syndrome. Identifiers: Orphanet 140162, MedGen C0027672, MeSH D009386, MONDO:0015356.

Submissions (2):

Ambry Genetics
Classification: Pathogenic for Hereditary cancer-predisposing syndrome. Last evaluated: 2017-11-08. Review status: criteria provided, single submitter. Criteria: Ambry Variant Classification Scheme 2023. Collection method: clinical testing. Allele origin: germline.
Comment: The p.Y1546* pathogenic mutation (also known as c.4638C>A), located in coding exon 22 of the DICER1 gene, results from a C to A substitution at nucleotide position 4638. This changes the amino acid from a tyrosine to a stop codon within coding exon 22. This alteration is expected to result in loss of function by premature protein truncation or nonsense-mediated mRNA decay. As such, this alteration is interpreted as a disease-causing mutation.

Labcorp Genetics (formerly Invitae), Labcorp
Classification: Pathogenic for DICER1-related tumor predisposition. Last evaluated: 2017-04-22. Review status: criteria provided, single submitter. Criteria: Invitae Variant Classification Sherloc (09022015). Collection method: clinical testing. Allele origin: germline.
Comment: For these reasons, this variant has been classified as Pathogenic. While this particular variant has not been reported in the literature, loss-of-function variants in DICER1 are known to be pathogenic (PMID: 19556464, 21266384). This sequence change creates a premature translational stop signal at codon 1546 (p.Tyr1546*) of the DICER1 gene. It is expected to result in an absent or disrupted protein product.

Literature cited by the submitters: PubMed 19556464 (cited by Labcorp Genetics (formerly Invitae), Labcorp); PubMed 21266384 (cited by Labcorp Genetics (formerly Invitae), Labcorp).

NM_177438.3(DICER1):c.4638C>A (p.Tyr1546Ter)

Gene: DICER1 (dicer 1, ribonuclease III; minus strand). Cytogenetic location: 14q32.13.
Variant type: single nucleotide variant.
Coding change: c.4638C>A on transcript NM_177438.3 (MANE Select); coding-DNA position 4638, C replaced by A.
Protein change: p.Tyr1546Ter; replaces tyrosine 1546 with a stop codon.
Molecular consequence: nonsense.
Genome position (GRCh38, 1-based): chr14:95,096,282, G>T on the plus strand (C>A on the coding strand, the complement: DICER1 is on the minus strand). VCF-style: chr14-95096282-G-T. GRCh37 (hg19) VCF-style: chr14-95562619-G-T.
Other names: c.4638C>A, p.Tyr1546Ter (NM_001195573.1, NM_001271282.3, NM_001291628.2 and 1 more transcripts); short protein forms Y1546*.
Identifiers: ClinVar variation 477210 (VCV000477210.10), dbSNP rs773822569, ClinGen allele CA390867638.
Genomic context (GRCh38, chr14:95,096,282, plus strand): 5'-CAGGGCTTCCACACAGTCCGCTATGCTTTTGTCAGCAATACACTGCTCAGTGTGCAAGTC[G>T]TAAGAAATGGACTGCTTTCCCGTGTCAACACCACAGTTTTCTTCTGATGGATTCCAGAAC-3'